The following is an entry in ClinVar:

NM_001177316.2(SLC34A3):c.560+41_560+42del

Gene: SLC34A3 (solute carrier family 34 member 3; plus strand). Cytogenetic location: 9q34.3.
Variant type: Deletion.
Coding change: c.560+41_560+42del on transcript NM_001177316.2 (MANE Select); bases 41 to 42 of the intron after coding-DNA position 560, 2 bases deleted (CA; older notation c.560+41_560+42delCA).
Molecular consequence: intron variant.
Genome position (GRCh38, 1-based): chr9:137,233,156-137,233,157, CA deleted. VCF-style (leftmost placement, unchanged base first): chr9-137233155-GCA-G. GRCh37 (hg19) VCF-style: chr9-140127607-GCA-G.
Other names: c.560+41_560+42del (NM_001177317.2, NM_080877.3).
Identifiers: ClinVar variation 4978783 (VCV004978783.1).
Genomic context (GRCh38, chr9:137,233,155, plus strand): 5'-GGACCGGGATGAATTTCAGAGGTGAGTTGTGGGTGGAAGGGCTGGGCTGGGGCTGCAGTG[GCA>G]GCCCCAGCCCGGGCCCCCCCACCTGACCCTGCCCACTCTCTGCGGCCACAGGGCTTTCAG-3'

ClinVar aggregate classification (germline): Likely benign (1 of 4 stars; one submission).

Conditions:
SLC34A3-related disorder. Also called: SLC34A3-related condition.

Submission:

PreventionGenetics, part of Exact Sciences
Classification: Likely benign for SLC34A3-related condition. Last evaluated: 2025-09-30. Review status: criteria provided, single submitter. Criteria: ACMG Guidelines, 2015. Collection method: clinical testing. Allele origin: germline.
Comment: This variant is classified as likely benign based on ACMG/AMP sequence variant interpretation guidelines (Richards et al. 2015 PMID: 25741868, with internal and published modifications).